The following is an entry in ClinVar:

ClinVar aggregate classification (germline): Pathogenic (1 of 4 stars; one submission).

Conditions:
Nicolaides-Baraitser syndrome (NCBRS). Also called: Intellectual disability-sparse hair-brachydactyly syndrome; SMARCA2-Related Nicolaides-Baraitser Syndrome. Identifiers: Orphanet 3051, MedGen C1303073, MONDO:0011053, OMIM 601358.

Submission:

Victorian Clinical Genetics Services, Murdoch Childrens Research Institute
Classification: Pathogenic for Nicolaides-Baraitser syndrome. Last evaluated: 2022-03-31. Review status: criteria provided, single submitter. Criteria: ACMG Guidelines, 2015. Collection method: clinical testing. Allele origin: germline. Inheritance: Autosomal dominant inheritance. Affected: yes.
Comment: Based on the classification scheme VCGS_Germline_v1.3.4, this variant is classified as Pathogenic. Following criteria are met: 0105 - The mechanism of disease for this gene is not clearly established. Dominant negative is a suggested mechanism for Nicolaides-Baraitser syndrome (PMID: 22366787). (I) 0107 - This gene is associated with autosomal dominant disease. (I) 0200 - Variant is predicted to result in a missense amino acid change from glycine to serine. (I) 0251 - This variant is heterozygous. (I) 0301 - Variant is absent from gnomAD (both v2 and v3). (SP) 0501 - Missense variant consistently predicted to be damaging by multiple in silico tools and very highly conserved with a minor amino acid change. (SP) 0602 - Variant is located in a hotspot region or cluster of pathogenic variants (DECIPHER). (SP) 0703 - Another missense variant comparable to the one identified in this case has moderate previous evidence for pathogenicity. The alternative change to an aspartic acid has been reported in an individual with Coffin-Siris syndrome (PMID: 23929686) and also in another de novo individual in DECIPHER. (SP) 0807 - This variant has no previous evidence of pathogenicity. (I) 0905 - No published segregation evidence has been identified for this variant. (I) 1007 - No published functional evidence has been identified for this variant. (SP) Legend: (SP) - Supporting pathogenic, (I) - Information, (SB) - Supporting benign

Literature cited by the submitters: PubMed 22366787; PubMed 23929686.

NM_003070.5(SMARCA2):c.3292G>A (p.Gly1098Ser)

Gene: SMARCA2 (SWI/SNF related BAF chromatin remodeling complex subunit ATPase 2; plus strand). Cytogenetic location: 9p24.3.
Variant type: single nucleotide variant.
Coding change: c.3292G>A on transcript NM_003070.5 (MANE Select); coding-DNA position 3292, G replaced by A.
Protein change: p.Gly1098Ser; replaces glycine 1098 with serine.
Molecular consequence: missense variant.
Genome position (GRCh38, 1-based): chr9:2,104,169, G>A. VCF-style: chr9-2104169-G-A. GRCh37 (hg19) VCF-style: chr9-2104169-G-A.
Other names: c.3292G>A, p.Gly1098Ser (NM_001289396.2, NM_139045.4); c.3118G>A, p.Gly1040Ser (NM_001289397.2); short protein forms G1040S, G1098S.
Identifiers: ClinVar variation 1805414 (VCV001805414.1), dbSNP rs2537379834, ClinGen allele CA372787524.